The following is an entry in ClinVar:

NM_020693.4(DSCAML1):c.41A>T (p.His14Leu)

Gene: DSCAML1 (DS cell adhesion molecule like 1; minus strand). Cytogenetic location: 11q23.3.
Variant type: single nucleotide variant.
Coding change: c.41A>T on transcript NM_020693.4 (MANE Select); coding-DNA position 41, A replaced by T.
Protein change: p.His14Leu; replaces histidine 14 with leucine.
Molecular consequence: missense variant. On other transcripts: intron variant (1).
Genome position (GRCh38, 1-based): chr11:117,797,039, T>A on the plus strand (A>T on the coding strand, the complement: DSCAML1 is on the minus strand). VCF-style: chr11-117797039-T-A. GRCh37 (hg19) VCF-style: chr11-117667754-T-A.
Other names: c.41A>T, p.His14Leu (NM_001367904.1); c.-362-16229A>T (NM_001367905.1); short protein forms H14L.
Identifiers: ClinVar variation 2695512 (VCV002695512.3), dbSNP rs766685486, ClinGen allele CA382762151.

ClinVar aggregate classification (germline): Uncertain significance (1 of 4 stars; one submission).

gnomAD v4.1: 1 of 1,533,876 alleles (0.000065%); highest among the groups gnomAD compares: Non-Finnish European, 0.000088%; no homozygotes.

Submission:

Labcorp Genetics (formerly Invitae), Labcorp
Classification: Uncertain significance. Last evaluated: 2024-03-27. Review status: criteria provided, single submitter. Criteria: Invitae Variant Classification Sherloc (09022015). Collection method: clinical testing. Allele origin: germline.
Comment: This sequence change replaces histidine, which is basic and polar, with leucine, which is neutral and non-polar, at codon 74 of the DSCAML1 protein (p.His74Leu). This variant is not present in population databases (gnomAD no frequency). This variant has not been reported in the literature in individuals affected with DSCAML1-related conditions. An algorithm developed to predict the effect of missense changes on protein structure and function (PolyPhen-2) suggests that this variant is likely to be tolerated. In summary, the available evidence is currently insufficient to determine the role of this variant in disease. Therefore, it has been classified as a Variant of Uncertain Significance.